The following is an entry in ClinVar:

ClinVar aggregate classification (germline): Conflicting classifications of pathogenicity. Review status: criteria provided, conflicting classifications (1 of 4 stars). 2 submissions from 2 submitters: Uncertain significance (1); Likely benign (1). Last evaluated 2025-06-12.

Allele frequency attached by ClinVar (database versions not stated): gnomAD exomes 0.00001; TOPMed 0.00004; gnomAD 0.00007; ExAC 0.00001.
gnomAD v4.1: 27 of 1,614,028 alleles (0.0017%); highest among the groups gnomAD compares: Admixed American, 0.018%; no homozygotes.

Submissions (2):

Ambry Genetics
Classification: Likely benign. Last evaluated: 2025-06-12. Review status: criteria provided, single submitter. Criteria: Ambry Variant Classification Scheme 2023. Collection method: clinical testing. Allele origin: germline.

Labcorp Genetics (formerly Invitae), Labcorp
Classification: Uncertain significance. Last evaluated: 2023-12-06. Review status: criteria provided, single submitter. Criteria: Invitae Variant Classification Sherloc (09022015). Collection method: clinical testing. Allele origin: germline.
Comment: This sequence change replaces proline, which is neutral and non-polar, with leucine, which is neutral and non-polar, at codon 217 of the SLC13A3 protein (p.Pro217Leu). This variant is present in population databases (rs749426418, gnomAD 0.006%). This variant has not been reported in the literature in individuals affected with SLC13A3-related conditions. ClinVar contains an entry for this variant (Variation ID: 1990281). Algorithms developed to predict the effect of missense changes on protein structure and function output the following: SIFT: "Not Available"; PolyPhen-2: "Benign"; Align-GVGD: "Not Available". The leucine amino acid residue is found in multiple mammalian species, which suggests that this missense change does not adversely affect protein function. In summary, the available evidence is currently insufficient to determine the role of this variant in disease. Therefore, it has been classified as a Variant of Uncertain Significance.

NM_022829.6(SLC13A3):c.650C>T (p.Pro217Leu)

Gene: SLC13A3 (solute carrier family 13 member 3; minus strand). Cytogenetic location: 20q13.12.
Variant type: single nucleotide variant.
Coding change: c.650C>T on transcript NM_022829.6 (MANE Select); coding-DNA position 650, C replaced by T.
Protein change: p.Pro217Leu; replaces proline 217 with leucine.
Molecular consequence: missense variant.
Genome position (GRCh38, 1-based): chr20:46,596,301, G>A on the plus strand (C>T on the coding strand, the complement: SLC13A3 is on the minus strand). VCF-style: chr20-46596301-G-A. GRCh37 (hg19) VCF-style: chr20-45224940-G-A.
Other names: c.509C>T, p.Pro170Leu (NM_001011554.3, NM_001193340.2); c.583C>T, p.Arg195Trp (NM_001193339.2); c.356C>T, p.Pro119Leu (NM_001193342.2); c.650C>T (NM_022829.5); short protein forms P119L, P170L, P217L, R195W.
Identifiers: ClinVar variation 1990281 (VCV001990281.3), dbSNP rs749426418, ClinGen allele CA9891551.